The following is an entry in ClinVar:

ClinVar aggregate classification (germline): Uncertain significance (1 of 4 stars; one submission).

Conditions:
Deficiency of UDPglucose-hexose-1-phosphate uridylyltransferase. Also called: GALACTOSEMIA I; GALT deficiency; Galactosemia, classic; Transferase Deficiency Galactosemia; GALACTOSE-1-PHOSPHATE URIDYLYLTRANSFERASE DEFICIENCY. Identifiers: Orphanet 352, Orphanet 79239, MedGen C0268151, MONDO:0009258, OMIM 230400.

Submission:

Labcorp Genetics (formerly Invitae), Labcorp
Classification: Uncertain significance for Deficiency of UDPglucose-hexose-1-phosphate uridylyltransferase. Last evaluated: 2019-09-11. Review status: criteria provided, single submitter. Criteria: Invitae Variant Classification Sherloc (09022015). Collection method: clinical testing. Allele origin: germline.
Comment: This sequence change replaces proline with leucine at codon 362 of the GALT protein (p.Pro362Leu). The proline residue is moderately conserved and there is a moderate physicochemical difference between proline and leucine. This variant is not present in population databases (ExAC no frequency). This variant has not been reported in the literature in individuals with GALT-related conditions. Algorithms developed to predict the effect of missense changes on protein structure and function are either unavailable or do not agree on the potential impact of this missense change (SIFT: "Tolerated"; PolyPhen-2: "Probably Damaging"; Align-GVGD: "Class C0"). In summary, the available evidence is currently insufficient to determine the role of this variant in disease. Therefore, it has been classified as a Variant of Uncertain Significance.

NM_000155.4(GALT):c.1085C>T (p.Pro362Leu)

Gene: GALT (galactose-1-phosphate uridylyltransferase; plus strand). Cytogenetic location: 9p13.3.
Variant type: single nucleotide variant.
Coding change: c.1085C>T on transcript NM_000155.4 (MANE Select); coding-DNA position 1085, C replaced by T.
Protein change: p.Pro362Leu; replaces proline 362 with leucine.
Molecular consequence: missense variant.
Genome position (GRCh38, 1-based): chr9:34,650,394, C>T. VCF-style: chr9-34650394-C-T. GRCh37 (hg19) VCF-style: chr9-34650391-C-T.
Other names: c.758C>T, p.Pro253Leu (NM_001258332.2); short protein forms P362L, P253L.
Identifiers: ClinVar variation 961807 (VCV000961807.8), dbSNP rs1821228380, ClinGen allele CA373285504.